The following is an entry in ClinVar:

NM_004380.3(CREBBP):c.7010C>T (p.Thr2337Met)

Gene: CREBBP (CREB binding lysine acetyltransferase; minus strand). Cytogenetic location: 16p13.3.
Variant type: single nucleotide variant.
Coding change: c.7010C>T on transcript NM_004380.3 (MANE Select); coding-DNA position 7010, C replaced by T.
Protein change: p.Thr2337Met; replaces threonine 2337 with methionine.
Molecular consequence: missense variant.
Genome position (GRCh38, 1-based): chr16:3,728,037, G>A on the plus strand (C>T on the coding strand, the complement: CREBBP is on the minus strand). VCF-style: chr16-3728037-G-A. GRCh37 (hg19) VCF-style: chr16-3778038-G-A.
Other names: p.Thr2337Met; c.6896C>T, p.Thr2299Met (NM_001079846.1); short protein forms T2299M, T2337M.
Identifiers: ClinVar variation 1707599 (VCV001707599.3), dbSNP rs373607295, ClinGen allele CA7868965.

ClinVar aggregate classification (germline): Uncertain significance (1 of 4 stars; one submission).

Conditions:
Menke-Hennekam syndrome 1 (MKHK1). Identifiers: MedGen C5193034, MONDO:0020763, OMIM 618332.

Allele frequency attached by ClinVar (database versions not stated): gnomAD 0.00001; gnomAD exomes 0.00001; ExAC 0.00002; TOPMed 0.00002; ESP Exome Variant Server 0.00008.
gnomAD v4.1: 15 of 1,612,274 alleles (0.00093%); highest among the groups gnomAD compares: East Asian, 0.0022%; no homozygotes.

Submission:

Foundation for Research in Genetics and Endocrinology, FRIGE's Institute of Human Genetics
Classification: Uncertain significance for Menke-Hennekam syndrome 1. Last evaluated: 2022-05-24. Review status: criteria provided, single submitter. Criteria: ACMG Guidelines, 2015. Collection method: clinical testing. Allele origin: germline. Inheritance: Autosomal dominant inheritance. Affected: yes. Observed: 1 heterozygote.
Comment: A heterozygous misense variation in exon 31 of CREBBP gene that result in the amino acid substitution of methionine for Threonine at codon 2337 was detected. The p.Thr2337Met variant has not been reported in 1000 genome and gnomAD database. The in silico prediction of the variant are possibly damaging by PolyPhen-2(HumDiv) and damaging SIFT AND LRT . In summary the variant meets our criteria to be classified as variant of uncertain significance.